The following is an entry in ClinVar:

NM_022765.4(MICAL1):c.1930C>T (p.Arg644Ter)

Gene: MICAL1 (microtubule associated monooxygenase, calponin and LIM domain containing 1; minus strand). Cytogenetic location: 6q21.
Variant type: single nucleotide variant.
Coding change: c.1930C>T on transcript NM_022765.4 (MANE Select); coding-DNA position 1930, C replaced by T.
Protein change: p.Arg644Ter; replaces arginine 644 with a stop codon.
Molecular consequence: nonsense.
Genome position (GRCh38, 1-based): chr6:109,447,889, G>A on the plus strand (C>T on the coding strand, the complement: MICAL1 is on the minus strand). VCF-style: chr6-109447889-G-A. GRCh37 (hg19) VCF-style: chr6-109769092-G-A.
Other names: c.1672C>T, p.Arg558Ter (NM_001159291.2); c.1987C>T, p.Arg663Ter (NM_001286613.2); short protein forms R558*, R644*, R663*.
Identifiers: ClinVar variation 2723684 (VCV002723684.3), dbSNP rs746676376, ClinGen allele CA3953170.
Genomic context (GRCh38, chr6:109,447,889, plus strand): 5'-TGCCCACTCCTCCCTGCTCAGCTCCAGCCCTGCCTAAACTCTCCACCTTGGCCCGGGATC[G>A]CTGCAGGGTCCTCTGAAGTTTACTAAGGAATAATACAGCACTGGAGGTCCCTGGGGAGGC-3'

ClinVar aggregate classification (germline): Uncertain significance (1 of 4 stars; one submission).

Allele frequency attached by ClinVar (database versions not stated): gnomAD exomes below 0.00001; ExAC 0.00001; gnomAD 0.00001.
gnomAD v4.1: 7 of 1,613,176 alleles (0.00043%); highest among the groups gnomAD compares: Middle Eastern, 0.017%; no homozygotes.

Submission:

Labcorp Genetics (formerly Invitae), Labcorp
Classification: Uncertain significance. Last evaluated: 2023-04-10. Review status: criteria provided, single submitter. Criteria: Invitae Variant Classification Sherloc (09022015). Collection method: clinical testing. Allele origin: germline.
Comment: This sequence change creates a premature translational stop signal (p.Arg663*) in the MICAL1 gene. It is expected to result in an absent or disrupted protein product. However, the current clinical and genetic evidence is not sufficient to establish whether loss-of-function variants in MICAL1 cause disease. The frequency data for this variant in the population databases is considered unreliable, as metrics indicate poor data quality at this position in the gnomAD database. This variant has not been reported in the literature in individuals affected with MICAL1-related conditions. Algorithms developed to predict the effect of sequence changes on RNA splicing suggest that this variant may disrupt the consensus splice site. In summary, the available evidence is currently insufficient to determine the role of this variant in disease. Therefore, it has been classified as a Variant of Uncertain Significance.